The following is an entry in ClinVar:

ClinVar aggregate classification (germline): Likely pathogenic (1 of 4 stars; one submission).

Submission:

GeneDx
Classification: Likely pathogenic. Last evaluated: 2026-03-17. Review status: criteria provided, single submitter. Criteria: GeneDx Variant Classification Process June 2021. Collection method: clinical testing. Allele origin: germline.
Comment: Nonsense variant predicted to result in protein truncation or nonsense mediated decay in a gene for which loss of function is a known mechanism of disease; Not observed at significant frequency in large population cohorts (gnomAD); Has not been previously published as pathogenic or benign to our knowledge

NM_001005242.3(PKP2):c.145C>T (p.Gln49Ter)

Gene: PKP2 (plakophilin 2; minus strand). Cytogenetic location: 12p11.21.
Variant type: single nucleotide variant.
Coding change: c.145C>T on transcript NM_001005242.3 (MANE Select); coding-DNA position 145, C replaced by T.
Protein change: p.Gln49Ter; replaces glutamine 49 with a stop codon.
Molecular consequence: nonsense. On other transcripts: 5 prime UTR variant (4).
Genome position (GRCh38, 1-based): chr12:32,896,587, G>A on the plus strand (C>T on the coding strand, the complement: PKP2 is on the minus strand). VCF-style: chr12-32896587-G-A. GRCh37 (hg19) VCF-style: chr12-33049521-G-A.
Other names: c.145C>T, p.Gln49Ter (NM_001407155.1, NM_001407156.1, NM_001407157.1 and 2 more transcripts); c.-682C>T (NM_001407158.1, NM_001407162.1); c.-446C>T (NM_001407159.1, NM_001407160.1); short protein forms Q49*.
Identifiers: ClinVar variation 4976325 (VCV004976325.1).